The following is an entry in ClinVar:

NM_001099922.3(ALG13):c.3301G>C (p.Val1101Leu)

Gene: ALG13 (ALG13 UDP-N-acetylglucosaminyltransferase subunit; plus strand). Cytogenetic location: Xq23.
Variant type: single nucleotide variant.
Coding change: c.3301G>C on transcript NM_001099922.3 (MANE Select); coding-DNA position 3301, G replaced by C.
Protein change: p.Val1101Leu; replaces valine 1101 with leucine.
Molecular consequence: missense variant. On other transcripts: non-coding transcript variant (1).
Genome position (GRCh38, 1-based): chrX:111,759,886, G>C. VCF-style: chrX-111759886-G-C. GRCh37 (hg19) VCF-style: chrX-111003114-G-C.
Other names: c.2752G>C, p.Val918Leu (NM_001257230.2, NM_001257234.2, NM_001257237.2); c.3067G>C, p.Val1023Leu (NM_001257231.2); c.3064G>C, p.Val1022Leu (NM_001324292.2); c.2578G>C, p.Val860Leu (NM_001324293.1); short protein forms V1022L, V1023L, V1101L, V860L, V918L.
Identifiers: ClinVar variation 1002475 (VCV001002475.16), dbSNP rs1370248370, ClinGen allele CA414293559.

ClinVar aggregate classification (germline): Uncertain significance. Review status: criteria provided, multiple submitters, no conflicts (2 of 4 stars). 3 submissions from 3 submitters: Uncertain significance (3). Last evaluated 2023-10-18.

Conditions:
Developmental and epileptic encephalopathy, 36 (DEE36). Also called: Congenital disorder of glycosylation, type Is; ALG13-CDG; Epileptic encephalopathy, early infantile, 36. Identifiers: Orphanet 324422, MedGen C4317295, MONDO:0010472, OMIM 300884.
ALG13-related disorder. Also called: ALG13-related condition.

Allele frequency attached by ClinVar (database versions not stated): gnomAD exomes below 0.00001 and 0.00001; TOPMed below 0.00001; gnomAD 0.00001.
gnomAD v4.1: 2 of 1,208,833 alleles (0.00017%); highest among the groups gnomAD compares: African/African-American, 0.0035%; no homozygotes.

Submissions (3):

Labcorp Genetics (formerly Invitae), Labcorp
Classification: Uncertain significance for Developmental and epileptic encephalopathy, 36. Last evaluated: 2023-10-18. Review status: criteria provided, single submitter. Criteria: Invitae Variant Classification Sherloc (09022015). Collection method: clinical testing. Allele origin: germline.
Comment: This sequence change replaces valine, which is neutral and non-polar, with leucine, which is neutral and non-polar, at codon 1101 of the ALG13 protein (p.Val1101Leu). This variant is present in population databases (no rsID available, gnomAD 0.006%). This variant has not been reported in the literature in individuals affected with ALG13-related conditions. ClinVar contains an entry for this variant (Variation ID: 1002475). An algorithm developed to predict the effect of missense changes on protein structure and function (PolyPhen-2) suggests that this variant is likely to be tolerated. In summary, the available evidence is currently insufficient to determine the role of this variant in disease. Therefore, it has been classified as a Variant of Uncertain Significance.

GeneDx
Classification: Uncertain significance. Last evaluated: 2023-06-20. Review status: criteria provided, single submitter. Criteria: GeneDx Variant Classification Process June 2021. Collection method: clinical testing. Allele origin: germline. Affected: yes.
Comment: Has not been previously published as pathogenic or benign to our knowledge; In silico analysis supports that this missense variant does not alter protein structure/function

PreventionGenetics, part of Exact Sciences
Classification: Uncertain significance for ALG13-related condition. Last evaluated: 2022-12-21. Review status: criteria provided, single submitter. Criteria: ACMG Guidelines, 2015. Collection method: clinical testing. Allele origin: germline.
Comment: The ALG13 c.3301G>C variant is predicted to result in the amino acid substitution p.Val1101Leu. To our knowledge, this variant has not been reported in the literature. This variant is reported in 0.0055% of alleles in individuals of African descent in gnomAD. At this time, the clinical significance of this variant is uncertain due to the absence of conclusive functional and genetic evidence.